The following is an entry in ClinVar:

NM_003282.4(TNNI2):c.540C>T (p.Ser180=)

Gene: TNNI2 (troponin I2, fast skeletal type; plus strand). Cytogenetic location: 11p15.5.
Variant type: single nucleotide variant.
Coding change: c.540C>T on transcript NM_003282.4 (MANE Select); coding-DNA position 540, C replaced by T.
Protein change: p.Ser180=; no amino-acid change (serine 180 retained).
Molecular consequence: synonymous variant.
Genome position (GRCh38, 1-based): chr11:1,841,542, C>T. VCF-style: chr11-1841542-C-T. GRCh37 (hg19) VCF-style: chr11-1862772-C-T.
Other names: c.540C>T, p.Ser180= (NM_001145829.2, NM_001145841.2).
Identifiers: ClinVar variation 713576 (VCV000713576.5), dbSNP rs375200601, ClinGen allele CA5815319.

ClinVar aggregate classification (germline): Likely benign. Review status: criteria provided, multiple submitters, no conflicts (2 of 4 stars). 2 submissions from 2 submitters: Likely benign (2). Last evaluated 2025-01-23.

Conditions:
TNNI2-related disorder. Also called: TNNI2-related condition.

Allele frequency attached by ClinVar (database versions not stated): gnomAD exomes 0.00001 and 0.00004; ExAC 0.00003; TOPMed 0.00006; gnomAD 0.00007; ESP Exome Variant Server 0.00008.
gnomAD v4.1: 63 of 1,613,924 alleles (0.0039%); highest among the groups gnomAD compares: Middle Eastern, 0.016%; no homozygotes.

Submissions (2):

PreventionGenetics, part of Exact Sciences
Classification: Likely benign for TNNI2-related condition. Last evaluated: 2025-01-23. Review status: criteria provided, single submitter. Criteria: ACMG Guidelines, 2015. Collection method: clinical testing. Allele origin: germline.
Comment: This variant is classified as likely benign based on ACMG/AMP sequence variant interpretation guidelines (Richards et al. 2015 PMID: 25741868, with internal and published modifications).

Labcorp Genetics (formerly Invitae), Labcorp
Classification: Likely benign. Last evaluated: 2019-12-31. Review status: criteria provided, single submitter. Criteria: Invitae Variant Classification Sherloc (09022015). Collection method: clinical testing. Allele origin: germline.